The following is an entry in ClinVar:

ClinVar aggregate classification (germline): Uncertain significance. Review status: criteria provided, multiple submitters, no conflicts (2 of 4 stars). 2 submissions from 2 submitters: Uncertain significance (2). Last evaluated 2024-10-09.

Conditions:
YY1-related disorder. Also called: YY1-related condition.
Inborn genetic diseases. Identifiers: MedGen C0950123, MeSH D030342.

Allele frequency attached by ClinVar (database versions not stated): gnomAD exomes 0.00002.
gnomAD v4.1: 26 of 1,611,678 alleles (0.0016%); highest among the groups gnomAD compares: Non-Finnish European, 0.002%; no homozygotes.

Submissions (2):

Ambry Genetics
Classification: Uncertain significance for Inborn genetic diseases. Last evaluated: 2024-10-09. Review status: criteria provided, single submitter. Criteria: Ambry Variant Classification Scheme 2023. Collection method: clinical testing. Allele origin: germline.

PreventionGenetics, part of Exact Sciences
Classification: Uncertain significance for YY1-related condition. Last evaluated: 2022-10-20. Review status: criteria provided, single submitter. Criteria: ACMG Guidelines, 2015. Collection method: clinical testing. Allele origin: germline.
Comment: The YY1 c.683A>G variant is predicted to result in the amino acid substitution p.Glu228Gly. To our knowledge, this variant has not been reported in the literature. This variant is reported in 0.0018% of alleles in individuals of European (Non-Finnish) descent in gnomAD. At this time, the clinical significance of this variant is uncertain due to the absence of conclusive functional and genetic evidence.

NM_003403.5(YY1):c.683A>G (p.Glu228Gly)

Gene: YY1 (YY1 transcription factor; plus strand). Cytogenetic location: 14q32.2.
Variant type: single nucleotide variant.
Coding change: c.683A>G on transcript NM_003403.5 (MANE Select); coding-DNA position 683, A replaced by G.
Protein change: p.Glu228Gly; replaces glutamic acid 228 with glycine.
Molecular consequence: missense variant.
Genome position (GRCh38, 1-based): chr14:100,262,307, A>G. VCF-style: chr14-100262307-A-G. GRCh37 (hg19) VCF-style: chr14-100728644-A-G.
Other names: c.683A>G (NM_003403.3); short protein forms E228G.
Identifiers: ClinVar variation 2628533 (VCV002628533.2), dbSNP rs1346857457, ClinGen allele CA390967042.